The following is an entry in ClinVar:

ClinVar aggregate classification (germline): Uncertain significance. Review status: criteria provided, multiple submitters, no conflicts (2 of 4 stars). 2 submissions from 2 submitters: Uncertain significance (2). Last evaluated 2025-11-08.

Conditions:
Inborn genetic diseases. Identifiers: MedGen C0950123, MeSH D030342.
PKD1L1-related disorder. Also called: PKD1L1-related condition.

gnomAD v4.1: 93 of 1,613,942 alleles (0.0058%); highest among the groups gnomAD compares: East Asian, 0.022%; no homozygotes.

Submissions (2):

PreventionGenetics, part of Exact Sciences
Classification: Uncertain significance for PKD1L1-related condition. Last evaluated: 2025-11-08. Review status: criteria provided, single submitter. Criteria: ACMG Guidelines, 2015. Collection method: clinical testing. Allele origin: germline.
Comment: The PKD1L1 c.4508C>T variant is predicted to result in the amino acid substitution p.Ala1503Val. To our knowledge, this variant has not been reported in the literature. This variant is reported in 0.023% of alleles in individuals of South Asian descent in gnomAD. At this time, the clinical significance of this variant is uncertain due to the absence of conclusive functional and genetic evidence.

Ambry Genetics
Classification: Uncertain significance for Inborn genetic diseases. Last evaluated: 2024-05-10. Review status: criteria provided, single submitter. Criteria: Ambry Variant Classification Scheme 2023. Collection method: clinical testing. Allele origin: germline.

NM_138295.5(PKD1L1):c.4508C>T (p.Ala1503Val)

Gene: PKD1L1 (polycystin 1 like 1, transient receptor potential channel interacting; minus strand). Cytogenetic location: 7p12.3.
Variant type: single nucleotide variant.
Coding change: c.4508C>T on transcript NM_138295.5 (MANE Select); coding-DNA position 4508, C replaced by T.
Protein change: p.Ala1503Val; replaces alanine 1503 with valine.
Molecular consequence: missense variant.
Genome position (GRCh38, 1-based): chr7:47,857,687, G>A on the plus strand (C>T on the coding strand, the complement: PKD1L1 is on the minus strand). VCF-style: chr7-47857687-G-A. GRCh37 (hg19) VCF-style: chr7-47897285-G-A.
Other names: short protein forms A1503V.
Identifiers: ClinVar variation 3306858 (VCV003306858.2).